The following is an entry in ClinVar:

NM_177438.3(DICER1):c.693G>A (p.Lys231=)

Gene: DICER1 (dicer 1, ribonuclease III; minus strand). Cytogenetic location: 14q32.13.
Variant type: single nucleotide variant.
Coding change: c.693G>A on transcript NM_177438.3 (MANE Select); coding-DNA position 693, G replaced by A.
Protein change: p.Lys231=; no amino-acid change (lysine 231 retained).
Molecular consequence: synonymous variant. On other transcripts: 5 prime UTR variant (1), non-coding transcript variant (6).
Genome position (GRCh38, 1-based): chr14:95,129,513, C>T on the plus strand (G>A on the coding strand, the complement: DICER1 is on the minus strand). VCF-style: chr14-95129513-C-T. GRCh37 (hg19) VCF-style: chr14-95595850-C-T.
Other names: c.693G>A, p.Lys231= (NM_001195573.1, NM_001271282.3, NM_001291628.2 and 15 more transcripts); c.411G>A, p.Lys137= (NM_001395686.1); c.288G>A, p.Lys96= (NM_001395687.1, NM_001395688.1, NM_001395689.1 and 3 more transcripts); c.126G>A, p.Lys42= (NM_001395691.1); c.-876G>A (NM_001395697.1).
Identifiers: ClinVar variation 3067420 (VCV003067420.23), dbSNP rs2543281741, ClinGen allele CA487633809.

ClinVar aggregate classification (germline): Conflicting classifications of pathogenicity. Review status: criteria provided, conflicting classifications (1 of 4 stars). 3 submissions from 3 submitters: Uncertain significance (2); Likely benign (1). Last evaluated 2025-06-25.

Conditions:
Hereditary cancer-predisposing syndrome. Also called: Tumor predisposition; Neoplastic Syndromes, Hereditary; Hereditary Cancer Syndrome; Hereditary neoplastic syndrome. Identifiers: Orphanet 140162, MedGen C0027672, MeSH D009386, MONDO:0015356.

gnomAD v4.1: 3 of 1,613,980 alleles (0.00019%); highest among the groups gnomAD compares: South Asian, 0.0033%; no homozygotes.

Submissions (3):

Quest Diagnostics Nichols Institute San Juan Capistrano
Classification: Uncertain significance. Last evaluated: 2025-06-25. Review status: criteria provided, single submitter. Criteria: Quest Diagnostics criteria. Collection method: clinical testing. Allele origin: unknown.
Comment: The DICER1 c.693G>A (p.Lys231=) synonymous variant has not been reported in individuals with DICER1-related conditions in the published literature. It also has not been reported in large, multi-ethnic general populations (Genome Aggregation Database). Analysis of this variant using software algorithms for the prediction of the effect of nucleotide changes on splicing yielded predictions that this variant does not affect DICER1 mRNA splicing. Based on the available information, we are unable to determine the clinical significance of this variant.

Ambry Genetics
Classification: Likely benign for Hereditary cancer-predisposing syndrome. Last evaluated: 2024-08-20. Review status: criteria provided, single submitter. Criteria: Ambry Variant Classification Scheme 2023. Collection method: clinical testing. Allele origin: germline.

CeGaT Center for Human Genetics Tuebingen
Classification: Uncertain significance. Last evaluated: 2024-03-01. Review status: criteria provided, single submitter. Criteria: CeGaT Center For Human Genetics Tuebingen Variant Classification Criteria Version 2. Collection method: clinical testing. Allele origin: germline. Affected: yes. Observed: 1 variant allele.
Comment: DICER1: PM2:Supporting, BP4